The following is an entry in ClinVar:

ClinVar aggregate classification (germline): Uncertain significance (1 of 4 stars; one submission).

Conditions:
Fanconi anemia (FA). Also called: Fanconi's anemia. Identifiers: Orphanet 84, MedGen C0015625, MeSH D005199, MONDO:0019391.

Allele frequency attached by ClinVar (database versions not stated): TOPMed below 0.00001.

Submission:

Labcorp Genetics (formerly Invitae), Labcorp
Classification: Uncertain significance for Fanconi anemia. Last evaluated: 2022-01-17. Review status: criteria provided, single submitter. Criteria: Invitae Variant Classification Sherloc (09022015). Collection method: clinical testing. Allele origin: germline.
Comment: This sequence change replaces alanine, which is neutral and non-polar, with threonine, which is neutral and polar, at codon 635 of the FANCA protein (p.Ala635Thr). This variant is not present in population databases (gnomAD no frequency). This variant has not been reported in the literature in individuals affected with FANCA-related conditions. Algorithms developed to predict the effect of missense changes on protein structure and function output the following: SIFT: "Tolerated"; PolyPhen-2: "Possibly Damaging"; Align-GVGD: "Class C0". The threonine amino acid residue is found in multiple mammalian species, which suggests that this missense change does not adversely affect protein function. In summary, the available evidence is currently insufficient to determine the role of this variant in disease. Therefore, it has been classified as a Variant of Uncertain Significance.

NM_000135.4(FANCA):c.1903G>A (p.Ala635Thr)

Gene: FANCA (FA complementation group A; minus strand). Cytogenetic location: 16q24.3.
Variant type: single nucleotide variant.
Coding change: c.1903G>A on transcript NM_000135.4 (MANE Select); coding-DNA position 1903, G replaced by A.
Protein change: p.Ala635Thr; replaces alanine 635 with threonine.
Molecular consequence: missense variant.
Genome position (GRCh38, 1-based): chr16:89,773,382, C>T on the plus strand (G>A on the coding strand, the complement: FANCA is on the minus strand). VCF-style: chr16-89773382-C-T. GRCh37 (hg19) VCF-style: chr16-89839790-C-T.
Other names: c.1903G>A, p.Ala635Thr (NM_001286167.3); short protein forms A635T.
Identifiers: ClinVar variation 2080792 (VCV002080792.1), dbSNP rs1445157890, ClinGen allele CA397450445.